The following is an entry in ClinVar:

ClinVar aggregate classification (germline): Uncertain significance (1 of 4 stars; one submission).

Conditions:
Early-infantile DEE. Also called: Early infantile epileptic encephalopathy; Ohtahara syndrome; Early infantile epileptic encephalopathy with suppression bursts. Identifiers: Orphanet 1934, MedGen C0393706, MONDO:0800491.

Submission:

Labcorp Genetics (formerly Invitae), Labcorp
Classification: Uncertain significance for Early-infantile DEE. Last evaluated: 2023-06-05. Review status: criteria provided, single submitter. Criteria: Invitae Variant Classification Sherloc (09022015). Collection method: clinical testing. Allele origin: germline.
Comment: This sequence change replaces threonine, which is neutral and polar, with isoleucine, which is neutral and non-polar, at codon 184 of the SCN1A protein (p.Thr184Ile). This variant is not present in population databases (gnomAD no frequency). In summary, the available evidence is currently insufficient to determine the role of this variant in disease. Therefore, it has been classified as a Variant of Uncertain Significance. Advanced modeling of protein sequence and biophysical properties (such as structural, functional, and spatial information, amino acid conservation, physicochemical variation, residue mobility, and thermodynamic stability) performed at Invitae indicates that this missense variant is expected to disrupt SCN1A protein function. ClinVar contains an entry for this variant (Variation ID: 958506). This variant has not been reported in the literature in individuals affected with SCN1A-related conditions.

NM_001165963.4(SCN1A):c.551C>T (p.Thr184Ile)

Gene: SCN1A (sodium voltage-gated channel alpha subunit 1; minus strand). Cytogenetic location: 2q24.3.
Variant type: single nucleotide variant.
Coding change: c.551C>T on transcript NM_001165963.4 (MANE Select); coding-DNA position 551, C replaced by T.
Protein change: p.Thr184Ile; replaces threonine 184 with isoleucine.
Molecular consequence: missense variant. On other transcripts: 5 prime UTR variant (1), non-coding transcript variant (1).
Genome position (GRCh38, 1-based): chr2:166,054,689, G>A on the plus strand (C>T on the coding strand, the complement: SCN1A is on the minus strand). VCF-style: chr2-166054689-G-A. GRCh37 (hg19) VCF-style: chr2-166911199-G-A.
Other names: c.551C>T, p.Thr184Ile (NM_001165964.3, NM_001202435.3, NM_001353948.2 and 10 more transcripts); c.-1875C>T (NM_001353961.2); short protein forms T184I.
Identifiers: ClinVar variation 958506 (VCV000958506.10), dbSNP rs1698949011, ClinGen allele CA349075445.